The following is an entry in ClinVar:

ClinVar aggregate classification (germline): Uncertain significance (1 of 4 stars; one submission).

Submission:

Labcorp Genetics (formerly Invitae), Labcorp
Classification: Uncertain significance. Last evaluated: 2024-07-11. Review status: criteria provided, single submitter. Criteria: Invitae Variant Classification Sherloc (09022015). Collection method: clinical testing. Allele origin: germline.
Comment: This sequence change replaces arginine, which is basic and polar, with isoleucine, which is neutral and non-polar, at codon 28 of the TLR7 protein (p.Arg28Ile). This variant is not present in population databases (gnomAD no frequency). This variant has not been reported in the literature in individuals affected with TLR7-related conditions. An algorithm developed to predict the effect of missense changes on protein structure and function outputs the following: PolyPhen-2: "Benign". The isoleucine amino acid residue is found in multiple mammalian species, which suggests that this missense change does not adversely affect protein function. In summary, the available evidence is currently insufficient to determine the role of this variant in disease. Therefore, it has been classified as a Variant of Uncertain Significance.

NM_016562.4(TLR7):c.83G>T (p.Arg28Ile)

Gene: TLR7 (toll like receptor 7; plus strand). Cytogenetic location: Xp22.2.
Variant type: single nucleotide variant.
Coding change: c.83G>T on transcript NM_016562.4 (MANE Select); coding-DNA position 83, G replaced by T.
Protein change: p.Arg28Ile; replaces arginine 28 with isoleucine.
Molecular consequence: missense variant.
Genome position (GRCh38, 1-based): chrX:12,885,591, G>T. VCF-style: chrX-12885591-G-T. GRCh37 (hg19) VCF-style: chrX-12903710-G-T.
Other names: short protein forms R28I.
Identifiers: ClinVar variation 2880543 (VCV002880543.3), dbSNP rs2518437067, ClinGen allele CA412403942.